The following is an entry in ClinVar:

NM_000388.4(CASR):c.503C>A (p.Ala168Asp)

Gene: CASR (calcium sensing receptor; plus strand). Cytogenetic location: 3q21.1.
Variant type: single nucleotide variant.
Coding change: c.503C>A on transcript NM_000388.4 (MANE Select); coding-DNA position 503, C replaced by A.
Protein change: p.Ala168Asp; replaces alanine 168 with aspartic acid.
Molecular consequence: missense variant.
Genome position (GRCh38, 1-based): chr3:122,261,538, C>A. VCF-style: chr3-122261538-C-A. GRCh37 (hg19) VCF-style: chr3-121980385-C-A.
Other names: c.503C>A, p.Ala168Asp (NM_001178065.2); short protein forms A168D.
Identifiers: ClinVar variation 1494537 (VCV001494537.8), dbSNP rs1576857840, ClinGen allele CA354150728.
Genomic context (GRCh38, chr3:122,261,538, plus strand): 5'-CCTCTTCACTCACTCACTCACTCATTCACCATGTTCTTGGTTCTCTCCAGGTCAGTTATG[C>A]CTCCTCCAGCAGACTCCTCAGCAACAAGAATCAATTCAAGTCTTTCCTCCGAACCATCCC-3'
Protein context (NP_000379.3, residues 158-178): GLFYIPQVSY[Ala168Asp]SSSRLLSNKN

ClinVar aggregate classification (germline): Uncertain significance (1 of 4 stars; one submission).

Conditions:
Autosomal dominant hypocalcemia 1 (HYPOC1). Also called: HYPOCALCEMIA, FAMILIAL. Identifiers: MedGen C3715128, MONDO:0011013, OMIM 601198.
Familial hypocalciuric hypercalcemia (FHH). Also called: Familial benign hypercalcemia. Identifiers: Orphanet 405, MedGen C1809471, MONDO:0018458.

Submission:

Labcorp Genetics (formerly Invitae), Labcorp
Classification: Uncertain significance for Familial hypocalciuric hypercalcemia; Autosomal dominant hypocalcemia 1. Last evaluated: 2021-03-02. Review status: criteria provided, single submitter. Criteria: Invitae Variant Classification Sherloc (09022015). Collection method: clinical testing. Allele origin: germline.
Comment: Algorithms developed to predict the effect of missense changes on protein structure and function (SIFT, PolyPhen-2, Align-GVGD) all suggest that this variant is likely to be disruptive, but these predictions have not been confirmed by published functional studies and their clinical significance is uncertain. This variant has been observed in individual(s) with familial hypercalcemia hypocalciuria (PMID: 31672324). This variant is not present in population databases (ExAC no frequency). This sequence change replaces alanine with aspartic acid at codon 168 of the CASR protein (p.Ala168Asp). The alanine residue is highly conserved and there is a moderate physicochemical difference between alanine and aspartic acid. In summary, the available evidence is currently insufficient to determine the role of this variant in disease. Therefore, it has been classified as a Variant of Uncertain Significance.

Literature cited by the submitters: PubMed 31672324.